The following is an entry in ClinVar:

NM_001101.5(ACTB):c.429C>T (p.Tyr143=)

Gene: ACTB (actin beta; minus strand). Cytogenetic location: 7p22.1.
Variant type: single nucleotide variant.
Coding change: c.429C>T on transcript NM_001101.5 (MANE Select); coding-DNA position 429, C replaced by T.
Protein change: p.Tyr143=; no amino-acid change (tyrosine 143 retained).
Molecular consequence: synonymous variant.
Genome position (GRCh38, 1-based): chr7:5,528,654, G>A on the plus strand (C>T on the coding strand, the complement: ACTB is on the minus strand). VCF-style: chr7-5528654-G-A. GRCh37 (hg19) VCF-style: chr7-5568285-G-A.
Identifiers: ClinVar variation 696626 (VCV000696626.20), dbSNP rs375215955, ClinGen allele CA4147002.

ClinVar aggregate classification (germline): Likely benign. Review status: criteria provided, multiple submitters, no conflicts (2 of 4 stars). 5 submissions from 5 submitters: Likely benign (4). 1 of the submissions does not count toward it. Last evaluated 2026-01-29.

Conditions:
Baraitser-Winter syndrome 1 (BRWS1). Also called: BARAITSER-WINTER SYNDROME 1, ATYPICAL; Cerebrofrontofacial syndrome; PACHYGYRIA, MENTAL RETARDATION, EPILEPSY, AND CHARACTERISTIC FACIES; MENTAL RETARDATION WITH EPILEPSY AND CHARACTERISTIC FACIES. Identifiers: Orphanet 2649, Orphanet 2995, MedGen C1855722, MONDO:0009470, OMIM 243310.
ACTB-related disorder. Also called: ACTB-related condition; ACTB-related disorders.
Developmental malformations-deafness-dystonia syndrome (DDS1). Identifiers: Orphanet 79107, MedGen C5848323, MONDO:0011823, OMIM 607371.

Allele frequency attached by ClinVar (database versions not stated): gnomAD 0.00003; gnomAD exomes 0.00003 and 0.00008; TOPMed 0.00005; ExAC 0.00008; ESP Exome Variant Server 0.00008.
gnomAD v4.1: 59 of 1,613,882 alleles (0.0037%); highest among the groups gnomAD compares: East Asian, 0.018%; no homozygotes.

Submissions (5):

Labcorp Genetics (formerly Invitae), Labcorp
Classification: Likely benign for Baraitser-Winter syndrome 1. Last evaluated: 2026-01-29. Review status: criteria provided, single submitter. Criteria: Invitae Variant Classification Sherloc (09022015). Collection method: clinical testing. Allele origin: germline.

CeGaT Center for Human Genetics Tuebingen
Classification: Likely benign. Last evaluated: 2025-11-01. Review status: criteria provided, single submitter. Criteria: CeGaT Center For Human Genetics Tuebingen Variant Classification Criteria Version 2. Collection method: clinical testing. Allele origin: germline. Affected: yes. Observed: 1 variant allele.
Comment: ACTB: BP4, BP7

Blueprint Genetics
Classification: Likely benign. Last evaluated: 2023-09-12. Review status: criteria provided, single submitter. Criteria: ACMG Guidelines, 2015. Collection method: clinical testing. Allele origin: germline.

Fulgent Genetics
Classification: Likely benign for Baraitser-Winter syndrome 1; Developmental malformations-deafness-dystonia syndrome. Last evaluated: 2022-04-18. Review status: criteria provided, single submitter. Criteria: ACMG Guidelines, 2015. Collection method: clinical testing. Allele origin: unknown.

PreventionGenetics, part of Exact Sciences
Classification: Likely benign for ACTB-related condition. Last evaluated: 2022-11-02. Review status: no assertion criteria provided. Collection method: clinical testing. Allele origin: germline. Not counted in ClinVar's aggregate classification.
Comment: This variant is classified as likely benign based on ACMG/AMP sequence variant interpretation guidelines (Richards et al. 2015 PMID: 25741868, with internal and published modifications).